The following is an entry in ClinVar:

NM_005477.3(HCN4):c.1370T>C (p.Val457Ala)

Gene: HCN4 (hyperpolarization activated cyclic nucleotide gated potassium channel 4; minus strand). Cytogenetic location: 15q24.1.
Variant type: single nucleotide variant.
Coding change: c.1370T>C on transcript NM_005477.3 (MANE Select); coding-DNA position 1370, T replaced by C.
Protein change: p.Val457Ala; replaces valine 457 with alanine.
Molecular consequence: missense variant.
Genome position (GRCh38, 1-based): chr15:73,332,132, A>G on the plus strand (T>C on the coding strand, the complement: HCN4 is on the minus strand). VCF-style: chr15-73332132-A-G. GRCh37 (hg19) VCF-style: chr15-73624473-A-G.
Other names: short protein forms V457A.
Identifiers: ClinVar variation 3224713 (VCV003224713.1), dbSNP rs2549072026, ClinGen allele CA393094229.

ClinVar aggregate classification (germline): Uncertain significance (1 of 4 stars; one submission).

Conditions:
Cardiovascular phenotype. Identifiers: MedGen CN230736.

Submission:

Ambry Genetics
Classification: Uncertain significance for Cardiovascular phenotype. Last evaluated: 2023-11-30. Review status: criteria provided, single submitter. Criteria: Ambry Variant Classification Scheme 2023. Collection method: clinical testing. Allele origin: germline.
Comment: The p.V457A variant (also known as c.1370T>C), located in coding exon 3 of the HCN4 gene, results from a T to C substitution at nucleotide position 1370. The valine at codon 457 is replaced by alanine, an amino acid with similar properties. This amino acid position is conserved. In addition, this alteration is predicted to be deleterious by in silico analysis. Since supporting evidence is limited at this time, the clinical significance of this alteration remains unclear.